The following is an entry in ClinVar:

NM_001105206.3(LAMA4):c.1961C>T (p.Ala654Val)

Gene: LAMA4 (laminin subunit alpha 4; minus strand). Cytogenetic location: 6q21.
Variant type: single nucleotide variant.
Coding change: c.1961C>T on transcript NM_001105206.3 (MANE Select); coding-DNA position 1961, C replaced by T.
Protein change: p.Ala654Val; replaces alanine 654 with valine.
Molecular consequence: missense variant.
Genome position (GRCh38, 1-based): chr6:112,154,946, G>A on the plus strand (C>T on the coding strand, the complement: LAMA4 is on the minus strand). VCF-style: chr6-112154946-G-A. GRCh37 (hg19) VCF-style: chr6-112476148-G-A.
Other names: c.1940C>T, p.Ala647Val (NM_001105207.3, NM_002290.5); short protein forms A647V, A654V.
Identifiers: ClinVar variation 541217 (VCV000541217.13), dbSNP rs782806847, ClinGen allele CA3965621.

ClinVar aggregate classification (germline): Uncertain significance. Review status: criteria provided, multiple submitters, no conflicts (2 of 4 stars). 3 submissions from 3 submitters: Uncertain significance (3). Last evaluated 2025-08-20.

Conditions:
Dilated cardiomyopathy 1JJ (CMD1JJ). Identifiers: Orphanet 154, MedGen C3808935, MONDO:0014095, OMIM 615235.
Cardiovascular phenotype. Identifiers: MedGen CN230736.

Allele frequency attached by ClinVar (database versions not stated): ExAC 0.00001; gnomAD 0.00002; TOPMed 0.00001; gnomAD exomes 0.00002.
gnomAD v4.1: 37 of 1,598,888 alleles (0.0023%); highest among the groups gnomAD compares: Admixed American, 0.0067%; no homozygotes.

Submissions (3):

Labcorp Genetics (formerly Invitae), Labcorp
Classification: Uncertain significance for Dilated cardiomyopathy 1JJ. Last evaluated: 2025-08-20. Review status: criteria provided, single submitter. Criteria: Invitae Variant Classification Sherloc (09022015). Collection method: clinical testing. Allele origin: germline.
Comment: This sequence change replaces alanine, which is neutral and non-polar, with valine, which is neutral and non-polar, at codon 647 of the LAMA4 protein (p.Ala647Val). This variant is present in population databases (rs782806847, gnomAD 0.006%). This variant has not been reported in the literature in individuals affected with LAMA4-related conditions. ClinVar contains an entry for this variant (Variation ID: 541217). An algorithm developed to predict the effect of missense changes on protein structure and function (PolyPhen-2) suggests that this variant is likely to be disruptive. In summary, the available evidence is currently insufficient to determine the role of this variant in disease. Therefore, it has been classified as a Variant of Uncertain Significance.

Ambry Genetics
Classification: Uncertain significance for Cardiovascular phenotype. Last evaluated: 2024-04-16. Review status: criteria provided, single submitter. Criteria: Ambry Variant Classification Scheme 2023. Collection method: clinical testing. Allele origin: germline.
Comment: The p.A647V variant (also known as c.1940C>T), located in coding exon 15 of the LAMA4 gene, results from a C to T substitution at nucleotide position 1940. The alanine at codon 647 is replaced by valine, an amino acid with similar properties. This amino acid position is highly conserved in available vertebrate species. In addition, this alteration is predicted to be tolerated by in silico analysis. The evidence for this gene-disease relationship is limited; therefore, the clinical significance of this alteration is unclear.

Stanford Center for Inherited Cardiovascular Disease, Stanford University
Classification: Uncertain significance. Last evaluated: 2017-10-24. Review status: criteria provided, single submitter. Criteria: ACMG Guidelines, 2015. Collection method: provider interpretation. Allele origin: germline.